The following is an entry in ClinVar:

NM_002641.4(PIGA):c.789A>T (p.Gly263=)

Gene: PIGA (phosphatidylinositol glycan anchor biosynthesis class A; minus strand). Cytogenetic location: Xp22.2.
Variant type: single nucleotide variant.
Coding change: c.789A>T on transcript NM_002641.4 (MANE Select); coding-DNA position 789, A replaced by T.
Protein change: p.Gly263=; no amino-acid change (glycine 263 retained).
Molecular consequence: synonymous variant. On other transcripts: non-coding transcript variant (2).
Genome position (GRCh38, 1-based): chrX:15,325,973, T>A on the plus strand (A>T on the coding strand, the complement: PIGA is on the minus strand). VCF-style: chrX-15325973-T-A. GRCh37 (hg19) VCF-style: chrX-15344095-T-A.
Other names: c.87A>T, p.Gly29= (NM_020473.3).
Identifiers: ClinVar variation 2195240 (VCV002195240.6), dbSNP rs2519326222, ClinGen allele CA515465097.
Genomic context (GRCh38, chrX:15,325,973, plus strand): 5'-CCTGTCATGCAGCTGGTATCTTTCCCGAACTTCTTCCAAAATGATTCTCTTTGGTCCCTC[T>A]CCTCCAATTATGAAATTTAAATCTGGATATTTCTGACAGAGTTCAGGTATTATACCACTA-3'
Protein context (NP_002632.1, residues 253-273): KYPDLNFIIG[Gly263=]EGPKRIILEE

ClinVar aggregate classification (germline): Conflicting classifications of pathogenicity. Review status: criteria provided, conflicting classifications (1 of 4 stars). 2 submissions from 2 submitters: Uncertain significance (1); Likely benign (1). Last evaluated 2023-03-09.

Conditions:
Multiple congenital anomalies-hypotonia-seizures syndrome 2 (MCAHS2). Also called: EPILEPTIC ENCEPHALOPATHY, EARLY INFANTILE, 20; GLYCOSYLPHOSPHATIDYLINOSITOL BIOSYNTHESIS DEFECT 4. Identifiers: Orphanet 300496, MedGen C3275508, MONDO:0010466, OMIM 300868.
PIGA-related disorder. Also called: PIGA-related condition.

Allele frequency attached by ClinVar (database versions not stated): gnomAD exomes 0.00003.

Submissions (4):

PreventionGenetics, part of Exact Sciences
Classification: Uncertain significance for PIGA-related condition. Last evaluated: 2023-03-09. Review status: criteria provided, single submitter. Criteria: ACMG Guidelines, 2015. Collection method: clinical testing. Allele origin: germline.
Comment: The PIGA c.789A>T variant is not predicted to result in an amino acid change (p.=). To our knowledge, this variant has not been reported in the literature or public databases. This variant is predicted to create a new splice donor site by available splice prediction programs (Alamut Visual Plus v1.6.1). However, such prediction programs are imperfect and cannot substitute for mRNA studies. At this time, the clinical significance of this variant is uncertain due to the absence of conclusive functional and genetic evidence.

Labcorp Genetics (formerly Invitae), Labcorp
Classification: Likely benign for Multiple congenital anomalies-hypotonia-seizures syndrome 2. Last evaluated: 2022-06-24. Review status: criteria provided, single submitter. Criteria: Invitae Variant Classification Sherloc (09022015). Collection method: clinical testing. Allele origin: germline.

Dr. Peter K. Rogan Lab, Western University
No classification provided (evidence only). Condition: Thyroid cancer, nonmedullary, 1. Review status: no classification provided. Collection method: in vitro. Allele origin: not applicable. Functional consequence: retained intron. Not counted in ClinVar's aggregate classification.

Dr. Peter K. Rogan Lab, Western University
No classification provided (evidence only). Condition: Thyroid cancer, nonmedullary, 1. Review status: no classification provided. Collection method: in vitro. Allele origin: not applicable. Functional consequence: retained intron. Not counted in ClinVar's aggregate classification.